The following is an entry in ClinVar:

NM_004656.4(BAP1):c.1333A>G (p.Ile445Val)

Gene: BAP1 (BRCA1 associated deubiquitinase 1; minus strand). Cytogenetic location: 3p21.1.
Variant type: single nucleotide variant.
Coding change: c.1333A>G on transcript NM_004656.4 (MANE Select); coding-DNA position 1333, A replaced by G.
Protein change: p.Ile445Val; replaces isoleucine 445 with valine.
Molecular consequence: missense variant.
Genome position (GRCh38, 1-based): chr3:52,403,812, T>C on the plus strand (A>G on the coding strand, the complement: BAP1 is on the minus strand). VCF-style: chr3-52403812-T-C. GRCh37 (hg19) VCF-style: chr3-52437828-T-C.
Other names: c.1279A>G, p.Ile427Val (NM_001410772.1); short protein forms I427V, I445V.
Identifiers: ClinVar variation 2774750 (VCV002774750.4), dbSNP rs2471329900, ClinGen allele CA353102065.

ClinVar aggregate classification (germline): Uncertain significance. Review status: criteria provided, multiple submitters, no conflicts (2 of 4 stars). 2 submissions from 2 submitters: Uncertain significance (2). Last evaluated 2024-10-22.

Conditions:
BAP1-related tumor predisposition syndrome (TPDS1). Also called: Tumor susceptibility linked to germline BAP1 mutations; COMMON Syndrome; TUMOR PREDISPOSITION SYNDROME 1; BAP1 tumor predisposition syndrome. Identifiers: Orphanet 289539, MedGen C3280492, MONDO:0013692, OMIM 614327.
Hereditary cancer-predisposing syndrome. Also called: Neoplastic Syndromes, Hereditary; Tumor predisposition; Hereditary Cancer Syndrome; Hereditary neoplastic syndrome. Identifiers: Orphanet 140162, MedGen C0027672, MeSH D009386, MONDO:0015356.

Allele frequency attached by ClinVar (database versions not stated): gnomAD exomes below 0.00001.
gnomAD v4.1: 2 of 1,614,108 alleles (0.00012%); highest among the groups gnomAD compares: East Asian, 0.0022%; no homozygotes.

Submissions (2):

Labcorp Genetics (formerly Invitae), Labcorp
Classification: Uncertain significance for BAP1-related tumor predisposition syndrome. Last evaluated: 2024-10-22. Review status: criteria provided, single submitter. Criteria: Invitae Variant Classification Sherloc (09022015). Collection method: clinical testing. Allele origin: germline.
Comment: This sequence change replaces isoleucine, which is neutral and non-polar, with valine, which is neutral and non-polar, at codon 445 of the BAP1 protein (p.Ile445Val). This variant is not present in population databases (gnomAD no frequency). This variant has not been reported in the literature in individuals affected with BAP1-related conditions. Invitae Evidence Modeling of protein sequence and biophysical properties (such as structural, functional, and spatial information, amino acid conservation, physicochemical variation, residue mobility, and thermodynamic stability) indicates that this missense variant is not expected to disrupt BAP1 protein function with a negative predictive value of 80%. In summary, the available evidence is currently insufficient to determine the role of this variant in disease. Therefore, it has been classified as a Variant of Uncertain Significance.

Color Diagnostics, LLC DBA Color Health
Classification: Uncertain significance for Hereditary cancer-predisposing syndrome. Last evaluated: 2024-03-07. Review status: criteria provided, single submitter. Criteria: ACMG Guidelines, 2015. Collection method: clinical testing. Allele origin: germline.
Comment: This missense variant replaces isoleucine with valine at codon 445 of the BAP1 protein. Computational prediction suggests that this variant may not impact protein structure and function (internally defined REVEL score threshold <= 0.5, PMID: 27666373). To our knowledge, functional studies have not been reported for this variant. This variant has not been reported in individuals affected with hereditary cancer in the literature. This variant has not been identified in the general population by the Genome Aggregation Database (gnomAD). The available evidence is insufficient to determine the role of this variant in disease conclusively. Therefore, this variant is classified as a Variant of Uncertain Significance.